The following is an entry in ClinVar:

ClinVar aggregate classification (germline): Likely benign. Review status: criteria provided, multiple submitters, no conflicts (2 of 4 stars). 4 submissions from 4 submitters: Likely benign (4). Last evaluated 2025-09-03.

Conditions:
GATA3-related disorder. Also called: GATA3-related condition.
Hypoparathyroidism, deafness, renal disease syndrome (HDRS). Also called: HYPOPARATHYROIDISM, SENSORINEURAL DEAFNESS, AND RENAL DYSPLASIA SYNDROME. Identifiers: Orphanet 2237, MedGen C1840333, MONDO:0007797, OMIM 146255.

Allele frequency attached by ClinVar (database versions not stated): gnomAD 0.00039 and 0.00040; TOPMed 0.00050; ESP Exome Variant Server 0.00054; 1000 Genomes Project 0.00060; 1000 Genomes Project 30x 0.00062.
gnomAD v4.1: 120 of 1,613,140 alleles (0.0074%); highest among the groups gnomAD compares: African/African-American, 0.13%; 1 homozygote.

Submissions (4):

PreventionGenetics, part of Exact Sciences
Classification: Likely benign for GATA3-related condition. Last evaluated: 2025-09-03. Review status: criteria provided, single submitter. Criteria: ACMG Guidelines, 2015. Collection method: clinical testing. Allele origin: germline.
Comment: This variant is classified as likely benign based on ACMG/AMP sequence variant interpretation guidelines (Richards et al. 2015 PMID: 25741868, with internal and published modifications).

Labcorp Genetics (formerly Invitae), Labcorp
Classification: Likely benign. Last evaluated: 2025-06-12. Review status: criteria provided, single submitter. Criteria: Invitae Variant Classification Sherloc (09022015). Collection method: clinical testing. Allele origin: germline.

Fulgent Genetics
Classification: Likely benign for Hypoparathyroidism, deafness, renal disease syndrome. Last evaluated: 2022-02-03. Review status: criteria provided, single submitter. Criteria: ACMG Guidelines, 2015. Collection method: clinical testing. Allele origin: unknown.

GeneDx
Classification: Likely benign. Last evaluated: 2020-08-31. Review status: criteria provided, single submitter. Criteria: GeneDx Variant Classification Process June 2021. Collection method: clinical testing. Allele origin: germline. Affected: yes.

NM_001002295.2(GATA3):c.294C>T (p.Asp98=)

Gene: GATA3 (GATA binding protein 3; plus strand). Cytogenetic location: 10p14.
Variant type: single nucleotide variant.
Coding change: c.294C>T on transcript NM_001002295.2 (MANE Select); coding-DNA position 294, C replaced by T.
Protein change: p.Asp98=; no amino-acid change (aspartic acid 98 retained).
Molecular consequence: synonymous variant.
Genome position (GRCh38, 1-based): chr10:8,058,357, C>T. VCF-style: chr10-8058357-C-T. GRCh37 (hg19) VCF-style: chr10-8100320-C-T.
Other names: c.294C>T, p.Asp98= (NM_002051.3).
Identifiers: ClinVar variation 754927 (VCV000754927.13), dbSNP rs144221016, ClinGen allele CA5404330.
Genomic context (GRCh38, chr10:8,058,357, plus strand): 5'-CCCCACAGGGAGCCAGGTGTGCCGCCCGCCTCTGCTTCATGGATCCCTACCCTGGCTGGA[C>T]GGCGGCAAAGCCCTGGGCAGCCACCACACCGCCTCCCCCTGGAATCTCAGCCCCTTCTCC-3'
Protein context (NP_001002295.1, residues 88-108): PLLHGSLPWL[Asp98=]GGKALGSHHT